The following is an entry in ClinVar:

ClinVar aggregate classification (germline): Uncertain significance (1 of 4 stars; one submission).

Allele frequency attached by ClinVar (database versions not stated): gnomAD exomes below 0.00001; TOPMed 0.00002.
gnomAD v4.1: 2 of 1,614,098 alleles (0.00012%); highest among the groups gnomAD compares: African/African-American, 0.0027%; no homozygotes.

Submission:

Labcorp Genetics (formerly Invitae), Labcorp
Classification: Uncertain significance. Last evaluated: 2024-04-16. Review status: criteria provided, single submitter. Criteria: Invitae Variant Classification Sherloc (09022015). Collection method: clinical testing. Allele origin: germline.
Comment: This sequence change replaces serine, which is neutral and polar, with phenylalanine, which is neutral and non-polar, at codon 1240 of the DMXL2 protein (p.Ser1240Phe). This variant is present in population databases (no rsID available, gnomAD 0.007%). This variant has not been reported in the literature in individuals affected with DMXL2-related conditions. ClinVar contains an entry for this variant (Variation ID: 1353649). An algorithm developed to predict the effect of missense changes on protein structure and function (PolyPhen-2) suggests that this variant is likely to be disruptive. In summary, the available evidence is currently insufficient to determine the role of this variant in disease. Therefore, it has been classified as a Variant of Uncertain Significance.

NM_001378457.1(DMXL2):c.3719C>T (p.Ser1240Phe)

Gene: DMXL2 (Dmx like 2; minus strand). Cytogenetic location: 15q21.2.
Variant type: single nucleotide variant.
Coding change: c.3719C>T on transcript NM_001378457.1 (MANE Select); coding-DNA position 3719, C replaced by T.
Protein change: p.Ser1240Phe; replaces serine 1240 with phenylalanine.
Molecular consequence: missense variant. On other transcripts: non-coding transcript variant (2), intron variant (2).
Genome position (GRCh38, 1-based): chr15:51,499,505, G>A on the plus strand (C>T on the coding strand, the complement: DMXL2 is on the minus strand). VCF-style: chr15-51499505-G-A. GRCh37 (hg19) VCF-style: chr15-51791702-G-A.
Other names: c.3719C>T, p.Ser1240Phe (NM_001174116.3, NM_001378458.1, NM_001378459.1 and 4 more transcripts); c.3479C>T, p.Ser1160Phe (NM_001378464.1); c.2764+7629C>T (NM_001378460.1); c.2765-4371C>T (NM_001174117.3); short protein forms S1160F, S1240F.
Identifiers: ClinVar variation 1353649 (VCV001353649.5), dbSNP rs1261453652, ClinGen allele CA392434529.